The following is an entry in ClinVar:

ClinVar aggregate classification (germline): Uncertain significance (1 of 4 stars; one submission).

gnomAD v4.1: 2 of 1,614,004 alleles (0.00012%); highest among the groups gnomAD compares: Middle Eastern, 0.017%; no homozygotes.

Submission:

Labcorp Genetics (formerly Invitae), Labcorp
Classification: Uncertain significance. Last evaluated: 2026-02-01. Review status: criteria provided, single submitter. Criteria: Invitae Variant Classification Sherloc (09022015). Collection method: clinical testing. Allele origin: germline.
Comment: This sequence change replaces aspartic acid, which is acidic and polar, with valine, which is neutral and non-polar, at codon 370 of the IMPG1 protein (p.Asp370Val). This variant is not present in population databases (gnomAD no frequency). This variant has not been reported in the literature in individuals affected with IMPG1-related conditions. An algorithm developed to predict the effect of missense changes on protein structure and function outputs the following: PolyPhen-2: "Benign". The valine amino acid residue is found in multiple mammalian species, which suggests that this missense change does not adversely affect protein function. In summary, the available evidence is currently insufficient to determine the role of this variant in disease. Therefore, it has been classified as a Variant of Uncertain Significance.

NM_001563.4(IMPG1):c.1109A>T (p.Asp370Val)

Gene: IMPG1 (interphotoreceptor matrix proteoglycan 1; minus strand). Cytogenetic location: 6q14.1.
Variant type: single nucleotide variant.
Coding change: c.1109A>T on transcript NM_001563.4 (MANE Select); coding-DNA position 1109, A replaced by T.
Protein change: p.Asp370Val; replaces aspartic acid 370 with valine.
Molecular consequence: missense variant.
Genome position (GRCh38, 1-based): chr6:76,005,313, T>A on the plus strand (A>T on the coding strand, the complement: IMPG1 is on the minus strand). VCF-style: chr6-76005313-T-A. GRCh37 (hg19) VCF-style: chr6-76715030-T-A.
Other names: c.875A>T, p.Asp292Val (NM_001282368.2); short protein forms D292V, D370V.
Identifiers: ClinVar variation 4764438 (VCV004764438.1).